The following is an entry in ClinVar:

NM_001267550.2(TTN):c.68513C>T (p.Ala22838Val)

Genes: TTN (titin; minus strand), TTN-AS1 (TTN antisense RNA 1; plus strand). Cytogenetic location: 2q31.2.
Variant type: single nucleotide variant.
Coding change: c.68513C>T on transcript NM_001267550.2 (MANE Select); coding-DNA position 68513, C replaced by T.
Protein change: p.Ala22838Val; replaces alanine 22838 with valine.
Molecular consequence: missense variant.
Genome position (GRCh38, 1-based): chr2:178,578,002, G>A on the plus strand (C>T on the coding strand, the complement: TTN is on the minus strand). VCF-style: chr2-178578002-G-A. GRCh37 (hg19) VCF-style: chr2-179442729-G-A.
Other names: c.63590C>T, p.Ala21197Val (NM_001256850.1); c.41318C>T, p.Ala13773Val (NM_003319.4); c.60809C>T, p.Ala20270Val (NM_133378.4); c.41693C>T, p.Ala13898Val (NM_133432.3); c.41894C>T, p.Ala13965Val (NM_133437.4); short protein forms A22838V, A13898V, A21197V, A13773V, A13965V, A20270V.
Identifiers: ClinVar variation 534990 (VCV000534990.13), dbSNP rs372075439, ClinGen allele CA1991092.
Genomic context (GRCh38, chr2:178,578,002, plus strand): 5'-TTCATGTAAAACATGCACCTGGGTTTTTCTTCATATAATGACTTACCAATTGGGTCCAGT[G>A]CCACAACAGGCTCTGATGGTAGGCTTGGCTTGCCCACACCTGCTAAATTGATTGCCATAA-3'
Protein context (NP_001254479.2, residues 22828-22848): KPSLPSEPVV[Ala22838Val]LDPIDPPGKP

ClinVar aggregate classification (germline): Conflicting classifications of pathogenicity. Review status: criteria provided, conflicting classifications (1 of 4 stars). 7 submissions from 7 submitters: Uncertain significance (4); Likely benign (3). Last evaluated 2026-08-05.

Conditions:
Cardiovascular phenotype. Identifiers: MedGen CN230736.
Dilated cardiomyopathy 1G (CMD1G). Identifiers: Orphanet 154, MedGen C1858763, MONDO:0011400, OMIM 604145.
Autosomal recessive limb-girdle muscular dystrophy type 2J (LGMDR10). Also called: MUSCULAR DYSTROPHY, LIMB-GIRDLE, AUTOSOMAL RECESSIVE 10; Limb-girdle muscular dystrophy, type 2J. Identifiers: Orphanet 140922, MedGen C1837342, MONDO:0012127, OMIM 608807.
Cardiomyopathy (CMYO). Also called: Cardiomyopathies. Identifiers: Orphanet 167848, MedGen C0878544, MONDO:0004994, HP:0001638. Inheritance: Various modes of inheritance.
TTN-related disorder. Also called: TTN-related condition; TTN-related disease; TTN-related disorders.

Allele frequency attached by ClinVar (database versions not stated): gnomAD 0.00015 and 0.00013; ESP Exome Variant Server 0.00017; gnomAD exomes 0.00001 and 0.00002; ExAC 0.00002; TOPMed 0.00012.
gnomAD v4.1: 31 of 1,612,870 alleles (0.0019%); highest among the groups gnomAD compares: African/African-American, 0.039%; no homozygotes.

Submissions (7):

PreventionGenetics, part of Exact Sciences
Classification: Uncertain significance for TTN-related condition. Last evaluated: 2026-08-05. Review status: criteria provided, single submitter. Criteria: ACMG Guidelines, 2015. Collection method: clinical testing. Allele origin: germline.
Comment: The TTN c.68513C>T variant is predicted to result in the amino acid substitution p.Ala22838Val. To our knowledge, this variant has not been reported in the literature. This variant is reported in 0.037% of alleles in individuals of African descent in gnomAD. At this time, the clinical significance of this variant is uncertain due to the absence of conclusive functional and genetic evidence.

Women's Health and Genetics/Laboratory Corporation of America, LabCorp
Classification: Uncertain significance. Last evaluated: 2026-04-03. Review status: criteria provided, single submitter. Criteria: LabCorp Variant Classification Summary - May 2015. Collection method: clinical testing. Allele origin: germline.

Revvity Omics, Revvity
Classification: Uncertain significance. Last evaluated: 2023-07-24. Review status: criteria provided, single submitter. Criteria: ACMG Guidelines, 2015. Collection method: clinical testing. Allele origin: germline.

Ambry Genetics
Classification: Likely benign for Cardiovascular phenotype. Last evaluated: 2020-09-04. Review status: criteria provided, single submitter. Criteria: Ambry Variant Classification Scheme 2023. Collection method: clinical testing. Allele origin: germline.

CHEO Genetics Diagnostic Laboratory, Children's Hospital of Eastern Ontario
Classification: Likely benign for Cardiomyopathy. Last evaluated: 2019-09-06. Review status: criteria provided, single submitter. Criteria: ACMG Guidelines, 2015. Collection method: clinical testing. Allele origin: germline.

GeneDx
Classification: Likely benign. Last evaluated: 2019-06-06. Review status: criteria provided, single submitter. Criteria: GeneDx Variant Classification Process June 2021. Collection method: clinical testing. Allele origin: germline. Affected: yes.

Labcorp Genetics (formerly Invitae), Labcorp
Classification: Uncertain significance for Dilated cardiomyopathy 1G; Autosomal recessive limb-girdle muscular dystrophy type 2J. Last evaluated: 2017-10-31. Review status: criteria provided, single submitter. Criteria: Invitae Variant Classification Sherloc (09022015). Collection method: clinical testing. Allele origin: germline.
Comment: This sequence change replaces alanine with valine at codon 22838 of the TTN protein (p.Ala22838Val). The alanine residue is highly conserved and there is a small physicochemical difference between alanine and valine. This variant is present in population databases (rs372075439, ExAC 0.02%). This variant has not been reported in the literature in individuals with TTN-related disease. This variant identified in the TTN gene is located in the A band of the resulting protein (PMID: 25589632). It is unclear how this variant impacts the function of this protein. Algorithms developed to predict the effect of missense changes on protein structure and function are unavailable for the TTN gene. Algorithms developed to predict the effect of sequence changes on RNA splicing suggest that this variant may create or strengthen a splice site, but this prediction has not been confirmed by published transcriptional studies. In summary, the available evidence is currently insufficient to determine the role of this variant in disease. Therefore, it has been classified as a Variant of Uncertain Significance.

Literature cited by the submitters: PubMed 25589632 (cited by Labcorp Genetics (formerly Invitae), Labcorp).